The following is an entry in ClinVar:

NM_020433.5(JPH2):c.1460C>T (p.Pro487Leu)

Gene: JPH2 (junctophilin 2; minus strand). Cytogenetic location: 20q13.12.
Variant type: single nucleotide variant.
Coding change: c.1460C>T on transcript NM_020433.5 (MANE Select); coding-DNA position 1460, C replaced by T.
Protein change: p.Pro487Leu; replaces proline 487 with leucine.
Molecular consequence: missense variant.
Genome position (GRCh38, 1-based): chr20:44,116,215, G>A on the plus strand (C>T on the coding strand, the complement: JPH2 is on the minus strand). VCF-style: chr20-44116215-G-A. GRCh37 (hg19) VCF-style: chr20-42744855-G-A.
Other names: short protein forms P487L.
Identifiers: ClinVar variation 2586451 (VCV002586451.2), dbSNP rs1413584228, ClinGen allele CA409100584.
Genomic context (GRCh38, chr20:44,116,215, plus strand): 5'-AGCAGGCCGTCCTTGGACACCCCGGGCCTGGGCCGCTTGGGCTGCGGGGGCGTCCCGGCC[G>A]GTGACGGGGAGCCACCCTCGGGCCGAGGGGTCTCACGCTCGTGCAGCTGCGGGCTCTCGC-3'
Protein context (NP_065166.2, residues 477-497): TPRPEGGSPS[Pro487Leu]AGTPPQPKRP

ClinVar aggregate classification (germline): Uncertain significance (1 of 4 stars; one submission).

Conditions:
Cardiovascular phenotype. Identifiers: MedGen CN230736.

Submission:

Ambry Genetics
Classification: Uncertain significance for Cardiovascular phenotype. Last evaluated: 2023-09-07. Review status: criteria provided, single submitter. Criteria: Ambry Variant Classification Scheme 2023. Collection method: clinical testing. Allele origin: germline.
Comment: The p.P487L variant (also known as c.1460C>T), located in coding exon 4 of the JPH2 gene, results from a C to T substitution at nucleotide position 1460. The proline at codon 487 is replaced by leucine, an amino acid with similar properties. This amino acid position is conserved. In addition, this alteration is predicted to be tolerated by in silico analysis. Since supporting evidence is limited at this time, the clinical significance of this alteration remains unclear.